The following is an entry in ClinVar:

ClinVar aggregate classification (germline): Benign. Review status: criteria provided, multiple submitters, no conflicts (2 of 4 stars). 2 submissions from 2 submitters: Benign (2). Last evaluated 2018-06-14.

Allele frequency attached by ClinVar (database versions not stated): gnomAD exomes 0.13981; 1000 Genomes Project 0.17792; 1000 Genomes Project 30x 0.18192; gnomAD 0.18537 and 0.19074; TOPMed 0.19539.
gnomAD v4.1: 189,768 of 1,302,418 alleles (15%); highest among the groups gnomAD compares: African/African-American, 32%; 15,387 homozygotes.

Submissions (2):

GeneDx
Classification: Benign. Last evaluated: 2018-06-14. Review status: criteria provided, single submitter. Criteria: GeneDx Variant Classification (06012015). Collection method: clinical testing. Allele origin: germline. Affected: yes.
Comment: This variant is considered likely benign or benign based on one or more of the following criteria: it is a conservative change, it occurs at a poorly conserved position in the protein, it is predicted to be benign by multiple in silico algorithms, and/or has population frequency not consistent with disease.

Breakthrough Genomics
Classification: Benign. Review status: criteria provided, single submitter. Criteria: ACMG Guidelines, 2015. Collection method: not provided. Allele origin: germline. Inheritance: Autosomal recessive inheritance. Affected: yes.

NM_012062.5(DNM1L):c.619+94G>A

Gene: DNM1L (dynamin 1 like; plus strand). Cytogenetic location: 12p11.21.
Variant type: single nucleotide variant.
Coding change: c.619+94G>A on transcript NM_012062.5 (MANE Select); 94 bases into the intron after coding-DNA position 619, G replaced by A.
Molecular consequence: intron variant.
Genome position (GRCh38, 1-based): chr12:32,713,465, G>A. VCF-style: chr12-32713465-G-A. GRCh37 (hg19) VCF-style: chr12-32866399-G-A.
Other names: c.658+94G>A (NM_001278464.2, NM_001278465.2, NM_001330380.2); c.131+6052G>A (NM_001278466.2); c.619+94G>A (NM_001278463.2, NM_012063.4, NM_005690.5).
Identifiers: ClinVar variation 673474 (VCV000673474.2), dbSNP rs7971495, ClinGen allele CA235242641.